The following is an entry in ClinVar:

NM_005159.5(ACTC1):c.997G>C (p.Ala333Pro)

Genes: ACTC1 (actin alpha cardiac muscle 1; minus strand), GJD2-DT (GJD2 divergent transcript; plus strand). Cytogenetic location: 15q14.
Variant type: single nucleotide variant.
Coding change: c.997G>C on transcript NM_005159.5 (MANE Select); coding-DNA position 997, G replaced by C.
Protein change: p.Ala333Pro; replaces alanine 333 with proline.
Molecular consequence: missense variant.
Genome position (GRCh38, 1-based): chr15:34,790,549, C>G on the plus strand (G>C on the coding strand, the complement: ACTC1 is on the minus strand). VCF-style: chr15-34790549-C-G. GRCh37 (hg19) VCF-style: chr15-35082750-C-G.
Other names: A331P; c.997G>C, p.Ala333Pro (LRG_388t1); short protein forms A333P.
Identifiers: ClinVar variation 18329 (VCV000018329.12), dbSNP rs267606629, ClinGen allele CA020027.
Genomic context (GRCh38, chr15:34,790,549, plus strand): 5'-TGGACAGAGAGGCCAGGATGGAGCCCCCAATCCAGACAGAGTATTTACGCTCAGGGGGAG[C>G]AATAATCTGCAGAAAGAAAACAAAAACTTCCAGTGAACTCTGAAGTTCCAAGCAAGGGAG-3'
Protein context (NP_005150.1, residues 323-343): APSTMKIKII[Ala333Pro]PPERKYSVWI

ClinVar aggregate classification (germline): Pathogenic. Review status: criteria provided, single submitter (1 of 4 stars). 2 submissions from 2 submitters: Pathogenic (1). 1 of the submissions does not count toward it. Last evaluated 2019-11-27.

Conditions:
Atrial septal defect 5 (ASD5). Identifiers: Orphanet 1478, MedGen C2748552, MONDO:0013011, OMIM 612794.
Dilated cardiomyopathy 1R (CMD1R). Identifiers: Orphanet 154, Orphanet 54260, MedGen C3150681, MONDO:0013261, OMIM 613424.
Hypertrophic cardiomyopathy 11. Also called: ACTC1-Related Familial Hypertrophic Cardiomyopathy. Identifiers: MedGen C2677506, MONDO:0012799, OMIM 612098.

Submissions (2):

Labcorp Genetics (formerly Invitae), Labcorp
Classification: Pathogenic for Dilated cardiomyopathy 1R; Hypertrophic cardiomyopathy 11; Atrial septal defect 5. Last evaluated: 2019-11-27. Review status: criteria provided, single submitter. Criteria: Invitae Variant Classification Sherloc (09022015). Collection method: clinical testing. Allele origin: germline.
Comment: For these reasons, this variant has been classified as Pathogenic. This variant has been reported to affect ACTC1 protein function (PMID: 24793351, 24736382). This variant has been observed in individual(s) with hypertrophic cardiomyopathy (PMID: 10966831). In at least one individual the variant was observed to be de novo. This variant is also known as p.Ala331Pro in the literature. ClinVar contains an entry for this variant (Variation ID: 18329). This variant is not present in population databases (ExAC no frequency). This sequence change replaces alanine with proline at codon 333 of the ACTC1 protein (p.Ala333Pro). The alanine residue is highly conserved and there is a small physicochemical difference between alanine and proline.

OMIM
Classification: Pathogenic for CARDIOMYOPATHY, FAMILIAL HYPERTROPHIC, 11. Last evaluated: 2000-09-01. Review status: no assertion criteria provided. Collection method: literature only. Allele origin: germline. Not counted in ClinVar's aggregate classification.

Literature cited by the submitters: PubMed 24793351 (cited by Labcorp Genetics (formerly Invitae), Labcorp); PubMed 24736382 (cited by Labcorp Genetics (formerly Invitae), Labcorp); PubMed 10966831 (cited by Labcorp Genetics (formerly Invitae), Labcorp and OMIM).